The following is an entry in ClinVar:

ClinVar aggregate classification (germline): Pathogenic (1 of 4 stars; one submission).

Submission:

Labcorp Genetics (formerly Invitae), Labcorp
Classification: Pathogenic. Last evaluated: 2022-07-28. Review status: criteria provided, single submitter. Criteria: Invitae Variant Classification Sherloc (09022015). Collection method: clinical testing. Allele origin: germline.
Comment: This sequence change creates a premature translational stop signal (p.Gln76*) in the DGUOK gene. It is expected to result in an absent or disrupted protein product. Loss-of-function variants in DGUOK are known to be pathogenic (PMID: 18205204). This variant is not present in population databases (gnomAD no frequency). This variant has not been reported in the literature in individuals affected with DGUOK-related conditions. Algorithms developed to predict the effect of sequence changes on RNA splicing suggest that this variant may disrupt the consensus splice site. For these reasons, this variant has been classified as Pathogenic.

Literature cited by the submitters: PubMed 18205204.

NM_080916.3(DGUOK):c.226C>T (p.Gln76Ter)

Gene: DGUOK (deoxyguanosine kinase; plus strand). Cytogenetic location: 2p13.1.
Variant type: single nucleotide variant.
Coding change: c.226C>T on transcript NM_080916.3 (MANE Select); coding-DNA position 226, C replaced by T.
Protein change: p.Gln76Ter; replaces glutamine 76 with a stop codon.
Molecular consequence: nonsense. On other transcripts: intron variant (4).
Genome position (GRCh38, 1-based): chr2:73,938,993, C>T. VCF-style: chr2-73938993-C-T. GRCh37 (hg19) VCF-style: chr2-74166120-C-T.
Other names: c.226C>T, p.Gln76Ter (NM_001318859.2, NM_080918.3); c.-37+6310C>T (NM_001318861.2, NM_001318862.2); c.-36-7726C>T (NM_001318860.2, NM_001318863.2); short protein forms Q76*.
Identifiers: ClinVar variation 2020035 (VCV002020035.4), dbSNP rs2466998390, ClinGen allele CA347297662.